The following is an entry in ClinVar:

ClinVar aggregate classification (germline): Uncertain significance (1 of 4 stars; one submission).

Conditions:
Cardiac anomalies - developmental delay - facial dysmorphism syndrome (MRFACD). Also called: Impaired intellectual development and distinctive facial features with or without cardiac defects; MED13L Syndrome. Identifiers: Orphanet 369891, MedGen C5192431, MONDO:0014773, OMIM 616789.

Submission:

New York Genome Center
Classification: Uncertain significance for Cardiac anomalies - developmental delay - facial dysmorphism syndrome. Last evaluated: 2021-07-09. Review status: criteria provided, single submitter. Criteria: NYGC Assertion Criteria 2020. Collection method: clinical testing. Allele origin: germline. Observed: 1 heterozygote. Study: CSER-NYCKidSeq.
Comment: The heterozygous c.4745C>A (p.Ser1582Tyr) missense variant identified in the MED13L gene has not been reported in affected individuals in theliterature. The variant is absent from gnomAD(v3) database suggesting it is not a common benign variant in the populations represented in that database. The variant affects an evolutionarily conserved residue. In Silico tools provide conflicting predictions about potential pathogenicity of this variant (CADD score = 24.0, REVEL score = 0.297). Based on the available evidence, the heterozygous c.4745C>A (p.Ser1582Tyr) missense variant identified in the MED13L gene is reported as a Variant of Uncertain Significance.

NM_015335.5(MED13L):c.4745C>A (p.Ser1582Tyr)

Gene: MED13L (mediator complex subunit 13L; minus strand). Cytogenetic location: 12q24.21.
Variant type: single nucleotide variant.
Coding change: c.4745C>A on transcript NM_015335.5 (MANE Select); coding-DNA position 4745, C replaced by A.
Protein change: p.Ser1582Tyr; replaces serine 1582 with tyrosine.
Molecular consequence: missense variant.
Genome position (GRCh38, 1-based): chr12:115,983,327, G>T on the plus strand (C>A on the coding strand, the complement: MED13L is on the minus strand). VCF-style: chr12-115983327-G-T. GRCh37 (hg19) VCF-style: chr12-116421132-G-T.
Other names: short protein forms S1582Y.
Identifiers: ClinVar variation 1341744 (VCV001341744.1), dbSNP rs748040838, ClinGen allele CA386882970.